The following is an entry in ClinVar:

ClinVar aggregate classification (germline): Uncertain significance (1 of 4 stars; one submission).

Submission:

Labcorp Genetics (formerly Invitae), Labcorp
Classification: Uncertain significance. Last evaluated: 2023-03-02. Review status: criteria provided, single submitter. Criteria: Invitae Variant Classification Sherloc (09022015). Collection method: clinical testing. Allele origin: germline.
Comment: This variant is not present in population databases (gnomAD no frequency). This variant has not been reported in the literature in individuals affected with PIGB-related conditions. ClinVar contains an entry for this variant (Variation ID: 2104982). Advanced modeling of protein sequence and biophysical properties (such as structural, functional, and spatial information, amino acid conservation, physicochemical variation, residue mobility, and thermodynamic stability) performed at Invitae indicates that this missense variant is not expected to disrupt PIGB protein function. In summary, the available evidence is currently insufficient to determine the role of this variant in disease. Therefore, it has been classified as a Variant of Uncertain Significance. This sequence change replaces threonine, which is neutral and polar, with isoleucine, which is neutral and non-polar, at codon 500 of the PIGB protein (p.Thr500Ile).

NM_004855.5(PIGB):c.1499C>T (p.Thr500Ile)

Gene: PIGB (phosphatidylinositol glycan anchor biosynthesis class B; plus strand). Cytogenetic location: 15q21.3.
Variant type: single nucleotide variant.
Coding change: c.1499C>T on transcript NM_004855.5 (MANE Select); coding-DNA position 1499, C replaced by T.
Protein change: p.Thr500Ile; replaces threonine 500 with isoleucine.
Molecular consequence: missense variant.
Genome position (GRCh38, 1-based): chr15:55,354,959, C>T. VCF-style: chr15-55354959-C-T. GRCh37 (hg19) VCF-style: chr15-55647157-C-T.
Other names: short protein forms T500I.
Identifiers: ClinVar variation 2104982 (VCV002104982.4), dbSNP rs1415739793, ClinGen allele CA392544238.
Genomic context (GRCh38, chr15:55,354,959, plus strand): 5'-CCTTAAACTGGTTACATAGAGAGTTTCATGATGATGCATCATTGCCTACTCACTTGATCA[C>T]CTTCAGCATTTTGGAAGAGGTAAGTAAACATGAAAAAGAGGAAAACTCAGTATTTTAATT-3'
Protein context (NP_004846.4, residues 490-510): DDASLPTHLI[Thr500Ile]FSILEEEISA